The following is an entry in ClinVar:

NM_001365276.2(TNXB):c.3967C>T (p.Arg1323Trp)

Gene: TNXB (tenascin XB; minus strand). Cytogenetic location: 6p21.33.
Variant type: single nucleotide variant.
Coding change: c.3967C>T on transcript NM_001365276.2 (MANE Select); coding-DNA position 3967, C replaced by T.
Protein change: p.Arg1323Trp; replaces arginine 1323 with tryptophan.
Molecular consequence: missense variant.
Genome position (GRCh38, 1-based): chr6:32,081,443, G>A on the plus strand (C>T on the coding strand, the complement: TNXB is on the minus strand). VCF-style: chr6-32081443-G-A. GRCh37 (hg19) VCF-style: chr6-32049220-G-A.
Other names: c.3967C>T, p.Arg1323Trp (NM_019105.8); short protein forms R1323W.
Identifiers: ClinVar variation 1736566 (VCV001736566.4), dbSNP rs568613138, ClinGen allele CA3735071.
Genomic context (GRCh38, chr6:32,081,443, plus strand): 5'-CAGACTCGGGCCCCACACGCTGCCTGCCACGAAGCCCGTAGAGGTTCATCTTATACTTCC[G>A]GTCGGGATCCAGGCCGGGGACAGTAACCTCATTCTCATCCCCCGCAACAGGCACTGCCTG-3'
Protein context (NP_001352205.1, residues 1313-1333): EVTVPGLDPD[Arg1323Trp]KYKMNLYGLR

ClinVar aggregate classification (germline): Uncertain significance. Review status: criteria provided, multiple submitters, no conflicts (2 of 4 stars). 2 submissions from 2 submitters: Uncertain significance (2). Last evaluated 2025-11-04.

Conditions:
Cardiovascular phenotype. Identifiers: MedGen CN230736.

Allele frequency attached by ClinVar (database versions not stated): TOPMed below 0.00001.
gnomAD v4.1: 22 of 1,577,728 alleles (0.0014%); highest among the groups gnomAD compares: Non-Finnish European, 0.0017%; no homozygotes.

Submissions (2):

Ambry Genetics
Classification: Uncertain significance for Cardiovascular phenotype. Last evaluated: 2025-11-04. Review status: criteria provided, single submitter. Criteria: Ambry Variant Classification Scheme 2023. Collection method: clinical testing. Allele origin: germline.
Comment: The p.R1323W variant (also known as c.3967C>T), located in coding exon 9 of the TNXB gene, results from a C to T substitution at nucleotide position 3967. The arginine at codon 1323 is replaced by tryptophan, an amino acid with dissimilar properties. This amino acid position is conserved. In addition, this alteration is predicted to be tolerated by in silico analysis. Since supporting evidence is limited at this time, the clinical significance of this alteration remains unclear.

GeneDx
Classification: Uncertain significance. Last evaluated: 2023-07-07. Review status: criteria provided, single submitter. Criteria: GeneDx Variant Classification Process June 2021. Collection method: clinical testing. Allele origin: germline. Affected: yes.
Comment: Not observed at significant frequency in large population cohorts (gnomAD); In silico analysis supports that this missense variant has a deleterious effect on protein structure/function; Has not been previously published as pathogenic or benign to our knowledge